The following is an entry in ClinVar:

NM_000494.4(COL17A1):c.3633A>G (p.Ser1211=)

Gene: COL17A1 (collagen type XVII alpha 1 chain; minus strand). Cytogenetic location: 10q25.1.
Variant type: single nucleotide variant.
Coding change: c.3633A>G on transcript NM_000494.4 (MANE Select); coding-DNA position 3633, A replaced by G.
Protein change: p.Ser1211=; no amino-acid change (serine 1211 retained).
Molecular consequence: synonymous variant.
Genome position (GRCh38, 1-based): chr10:104,034,754, T>C on the plus strand (A>G on the coding strand, the complement: COL17A1 is on the minus strand). VCF-style: chr10-104034754-T-C. GRCh37 (hg19) VCF-style: chr10-105794512-T-C.
Identifiers: ClinVar variation 709985 (VCV000709985.23), dbSNP rs140197646, ClinGen allele CA5677872.
Genomic context (GRCh38, chr10:104,034,754, plus strand): 5'-GACACCCGGGGGCCCTCGAGGCCCTGGGGGACCAGGAGGTCCTGGAGGGCCTGGGATGAA[T>C]GACAAGCCGGCAGCTGGGCAGAAGGAAGAGAAAGAAAGGTCGGGGTAGTGCTGCGGAGGA-3'
Protein context (NP_000485.3, residues 1201-1221): LSSYLHTAGL[Ser1211=]FIPGPPGPPG

ClinVar aggregate classification (germline): Benign/Likely benign. Review status: criteria provided, multiple submitters, no conflicts (2 of 4 stars). 6 submissions from 6 submitters: Benign (3); Likely benign (2). 1 of the submissions does not count toward it. Last evaluated 2026-01-29.

Conditions:
COL17A1-related disorder. Also called: COL17A1-related condition.
Junctional epidermolysis bullosa, non-Herlitz type. Also called: COL17A1-Related Junctional Epidermolysis Bullosa; Adult junctional epidermolysis bullosa; Epidermolysis bullosa, junctional, non-herlitz type, somatic mosaic revertant; EPIDERMOLYSIS BULLOSA, JUNCTIONAL 1A, INTERMEDIATE; EPIDERMOLYSIS BULLOSA JUNCTIONALIS, DISENTIS TYPE; EPIDERMOLYSIS BULLOSA JUNCTIONALIS, NON-HERLITZ TYPE. Identifiers: Orphanet 251393, Orphanet 79402, Orphanet 79405, Orphanet 89840, MedGen C0268374, MONDO:0009180, OMIM 226650.

Allele frequency attached by ClinVar (database versions not stated): gnomAD exomes 0.00040 and 0.00104; ExAC 0.00157; 1000 Genomes Project 0.00280; 1000 Genomes Project 30x 0.00281; gnomAD 0.00408 and 0.00443; TOPMed 0.00455; ESP Exome Variant Server 0.00531.
gnomAD v4.1: 1,219 of 1,612,398 alleles (0.076%); highest among the groups gnomAD compares: African/African-American, 1.5%; 12 homozygotes.

Submissions (6):

Labcorp Genetics (formerly Invitae), Labcorp
Classification: Benign. Last evaluated: 2026-01-29. Review status: criteria provided, single submitter. Criteria: Invitae Variant Classification Sherloc (09022015). Collection method: clinical testing. Allele origin: germline.

CeGaT Center for Human Genetics Tuebingen
Classification: Likely benign. Last evaluated: 2025-09-01. Review status: criteria provided, single submitter. Criteria: CeGaT Center For Human Genetics Tuebingen Variant Classification Criteria Version 2. Collection method: clinical testing. Allele origin: germline. Affected: yes. Observed: 1 variant allele.
Comment: COL17A1: BP4, BP7, BS1

Blueprint Genetics
Classification: Likely benign. Last evaluated: 2024-11-13. Review status: criteria provided, single submitter. Criteria: ACMG Guidelines, 2015. Collection method: clinical testing. Allele origin: germline.

Illumina Laboratory Services, Illumina
Classification: Benign for Junctional epidermolysis bullosa, non-Herlitz type. Last evaluated: 2018-01-12. Review status: criteria provided, single submitter. Criteria: ICSL Variant Classification Criteria 13 December 2019. Collection method: clinical testing. Allele origin: germline.
Comment: This variant was observed in the ICSL laboratory as part of a predisposition screen in an ostensibly healthy population. It had not been previously curated by ICSL or reported in the Human Gene Mutation Database (HGMD: prior to June 1st, 2018), and was therefore a candidate for classification through an automated scoring system. Utilizing variant allele frequency, disease prevalence and penetrance estimates, and inheritance mode, an automated score was calculated to assess if this variant is too frequent to cause the disease. Based on the score and internal cut-off values, a variant classified as benign is not then subjected to further curation. The score for this variant resulted in a classification of benign for this disease.

Breakthrough Genomics
Classification: Benign. Review status: criteria provided, single submitter. Criteria: ACMG Guidelines, 2015. Collection method: not provided. Allele origin: germline. Inheritance: Autosomal recessive inheritance. Affected: yes.

PreventionGenetics, part of Exact Sciences
Classification: Benign for COL17A1-related condition. Last evaluated: 2019-06-17. Review status: no assertion criteria provided. Collection method: clinical testing. Allele origin: germline. Not counted in ClinVar's aggregate classification.
Comment: This variant is classified as benign based on ACMG/AMP sequence variant interpretation guidelines (Richards et al. 2015 PMID: 25741868, with internal and published modifications).